The following is an entry in ClinVar:

NM_199420.4(POLQ):c.2879A>G (p.Asn960Ser)

Gene: POLQ (DNA polymerase theta; minus strand). Cytogenetic location: 3q13.33.
Variant type: single nucleotide variant.
Coding change: c.2879A>G on transcript NM_199420.4 (MANE Select); coding-DNA position 2879, A replaced by G.
Protein change: p.Asn960Ser; replaces asparagine 960 with serine.
Molecular consequence: missense variant.
Genome position (GRCh38, 1-based): chr3:121,490,052, T>C on the plus strand (A>G on the coding strand, the complement: POLQ is on the minus strand). VCF-style: chr3-121490052-T-C. GRCh37 (hg19) VCF-style: chr3-121208899-T-C.
Other names: short protein forms N960S.
Identifiers: ClinVar variation 1797133 (VCV001797133.2), dbSNP rs2546788083, ClinGen allele CA354104133.

ClinVar aggregate classification (germline): Uncertain significance (1 of 4 stars; one submission).

Submission:

Ambry Genetics
Classification: Uncertain significance. Last evaluated: 2022-05-26. Review status: criteria provided, single submitter. Criteria: Ambry Variant Classification Scheme 2023. Collection method: clinical testing. Allele origin: germline.
Comment: The p.N960S variant (also known as c.2879A>G), located in coding exon 16 of the POLQ gene, results from an A to G substitution at nucleotide position 2879. The asparagine at codon 960 is replaced by serine, an amino acid with highly similar properties. This amino acid position is conserved. In addition, this alteration is predicted to be tolerated by in silico analysis. Since supporting evidence is limited at this time, the clinical significance of this alteration remains unclear.